The following is an entry in ClinVar:

NM_012208.4(HARS2):c.1343A>G (p.Lys448Arg)

Gene: HARS2 (histidyl-tRNA synthetase 2, mitochondrial; plus strand). Cytogenetic location: 5q31.3.
Variant type: single nucleotide variant.
Coding change: c.1343A>G on transcript NM_012208.4 (MANE Select); coding-DNA position 1343, A replaced by G.
Protein change: p.Lys448Arg; replaces lysine 448 with arginine.
Molecular consequence: missense variant.
Genome position (GRCh38, 1-based): chr5:140,697,960, A>G. VCF-style: chr5-140697960-A-G. GRCh37 (hg19) VCF-style: chr5-140077545-A-G.
Other names: c.1268A>G, p.Lys423Arg (NM_001278731.2); c.911A>G, p.Lys304Arg (NM_001278732.2); c.1361A>G, p.Lys454Arg (NM_001363535.2); c.1133A>G, p.Lys378Arg (NM_001363536.2); short protein forms K304R, K378R, K423R, K448R, K454R.
Identifiers: ClinVar variation 1801003 (VCV001801003.1), dbSNP rs761684556, ClinGen allele CA3444690.

ClinVar aggregate classification (germline): Uncertain significance (1 of 4 stars; one submission).

Allele frequency attached by ClinVar (database versions not stated): gnomAD exomes 0.00001; ExAC 0.00002.
gnomAD v4.1: 9 of 1,614,054 alleles (0.00056%); highest among the groups gnomAD compares: East Asian, 0.0067%; no homozygotes.

Submission:

GeneDx
Classification: Uncertain significance. Last evaluated: 2022-05-27. Review status: criteria provided, single submitter. Criteria: GeneDx Variant Classification Process June 2021. Collection method: clinical testing. Allele origin: germline. Affected: yes.
Comment: Not observed at significant frequency in large population cohorts (gnomAD); In silico analysis supports that this missense variant has a deleterious effect on protein structure/function; Has not been previously published as pathogenic or benign to our knowledge